The following is an entry in ClinVar:

ClinVar aggregate classification (germline): Pathogenic (1 of 4 stars; one submission).

Conditions:
Developmental and epileptic encephalopathy. Identifiers: MedGen C5779964, MONDO:0100620.

Submission:

Labcorp Genetics (formerly Invitae), Labcorp
Classification: Pathogenic for Early-infantile DEE. Last evaluated: 2023-07-16. Review status: criteria provided, single submitter. Criteria: Invitae Variant Classification Sherloc (09022015). Collection method: clinical testing. Allele origin: unknown.
Comment: This variant is a gross deletion of the genomic region encompassing exon(s) 1 of the SCN1A gene, which includes the initiator codon. This deletion extends beyond the assayed region for this gene and therefore may encompass additional genes. It is expected to result in an absent or disrupted protein product. Loss-of-function variants in SCN1A are known to be pathogenic (PMID: 17347258, 18930999). A similar copy number variant has been observed in individual(s) with classic Dravet syndrome (PMID: 21248271). For these reasons, this variant has been classified as Pathogenic.

Literature cited by the submitters: PubMed 17347258; PubMed 18930999; PubMed 21248271.

NC_000002.11:g.(?_166929848)_(167168266_?)del

Genes: SCN1A (sodium voltage-gated channel alpha subunit 1; minus strand), SCN9A (sodium voltage-gated channel alpha subunit 9; minus strand). Cytogenetic location: 2q24.3.
Variant type: Deletion.
Identifiers: ClinVar variation 3247187 (VCV003247187.1).